The following is an entry in ClinVar:

ClinVar aggregate classification (germline): Likely benign. Review status: criteria provided, multiple submitters, no conflicts (2 of 4 stars). 10 submissions from 10 submitters: Likely benign (7). 3 of the submissions do not count toward it. Last evaluated 2026-06-01.

Conditions:
Cardiovascular phenotype. Identifiers: MedGen CN230736.
TTN-related disorder. Also called: TTN-related disorders; TTN-related condition; TTN-related disease.
Autosomal recessive limb-girdle muscular dystrophy type 2J (LGMDR10). Also called: Limb-girdle muscular dystrophy, type 2J; MUSCULAR DYSTROPHY, LIMB-GIRDLE, AUTOSOMAL RECESSIVE 10. Identifiers: Orphanet 140922, MedGen C1837342, MONDO:0012127, OMIM 608807.
Dilated cardiomyopathy 1G (CMD1G). Identifiers: Orphanet 154, MedGen C1858763, MONDO:0011400, OMIM 604145.

Allele frequency attached by ClinVar (database versions not stated): gnomAD 0.00004 and 0.00005; gnomAD exomes 0.00004 and 0.00006; TOPMed 0.00004; ExAC 0.00007.
gnomAD v4.1: 74 of 1,613,814 alleles (0.0046%); highest among the groups gnomAD compares: Middle Eastern, 0.082%; no homozygotes.

Submissions (10):

CeGaT Center for Human Genetics Tuebingen
Classification: Likely benign. Last evaluated: 2026-06-01. Review status: criteria provided, single submitter. Criteria: CeGaT Center For Human Genetics Tuebingen Variant Classification Criteria Version 2. Collection method: clinical testing. Allele origin: germline. Affected: yes. Observed: 2 variant alleles.
Comment: TTN: BP4

PreventionGenetics, part of Exact Sciences
Classification: Likely benign for TTN-related condition. Last evaluated: 2026-01-30. Review status: criteria provided, single submitter. Criteria: ACMG Guidelines, 2015. Collection method: clinical testing. Allele origin: germline.
Comment: This variant is classified as likely benign based on ACMG/AMP sequence variant interpretation guidelines (Richards et al. 2015 PMID: 25741868, with internal and published modifications).

Labcorp Genetics (formerly Invitae), Labcorp
Classification: Likely benign for Dilated cardiomyopathy 1G; Autosomal recessive limb-girdle muscular dystrophy type 2J. Last evaluated: 2025-10-29. Review status: criteria provided, single submitter. Criteria: Invitae Variant Classification Sherloc (09022015). Collection method: clinical testing. Allele origin: germline.

Molecular Diagnostic Laboratory for Inherited Cardiovascular Disease, Montreal Heart Institute
Classification: Likely benign. Last evaluated: 2025-04-09. Review status: criteria provided, single submitter. Criteria: ACMG Guidelines, 2015. Collection method: clinical testing. Allele origin: germline. Affected: no.

Blueprint Genetics
Classification: Likely benign. Last evaluated: 2024-11-25. Review status: criteria provided, single submitter. Criteria: ACMG Guidelines, 2015. Collection method: clinical testing. Allele origin: germline.

GeneDx
Classification: Likely benign. Last evaluated: 2017-11-15. Review status: criteria provided, single submitter. Criteria: GeneDx Variant Classification (06012015). Collection method: clinical testing. Allele origin: germline. Affected: yes.
Comment: This variant is considered likely benign or benign based on one or more of the following criteria: it is a conservative change, it occurs at a poorly conserved position in the protein, it is predicted to be benign by multiple in silico algorithms, and/or has population frequency not consistent with disease.

Ambry Genetics
Classification: Likely benign for Cardiovascular phenotype. Last evaluated: 2015-12-31. Review status: criteria provided, single submitter. Criteria: Ambry Variant Classification Scheme 2023. Collection method: clinical testing. Allele origin: germline.

Clinical Genetics DNA and cytogenetics Diagnostics Lab, Erasmus MC, Erasmus Medical Center
Classification: Likely benign. Review status: no assertion criteria provided. Collection method: clinical testing. Allele origin: germline. Affected: yes. Study: VKGL Data-share Consensus. Not counted in ClinVar's aggregate classification.

Clinical Genetics, Academic Medical Center
Classification: Benign. Review status: no assertion criteria provided. Collection method: clinical testing. Allele origin: germline. Affected: yes. Study: VKGL Data-share Consensus. Not counted in ClinVar's aggregate classification.

Joint Genome Diagnostic Labs from Nijmegen and Maastricht, Radboudumc and MUMC+
Classification: Likely benign. Review status: no assertion criteria provided. Collection method: clinical testing. Allele origin: germline. Affected: yes. Study: VKGL Data-share Consensus. Not counted in ClinVar's aggregate classification.

NM_001267550.2(TTN):c.98205A>C (p.Ile32735=)

Genes: TTN-AS1 (TTN antisense RNA 1; plus strand), TTN (titin; minus strand). Cytogenetic location: 2q31.2.
Variant type: single nucleotide variant.
Coding change: c.98205A>C on transcript NM_001267550.2 (MANE Select); coding-DNA position 98205, A replaced by C.
Protein change: p.Ile32735=; no amino-acid change (isoleucine 32735 retained).
Molecular consequence: synonymous variant. On other transcripts: non-coding transcript variant (1).
Genome position (GRCh38, 1-based): chr2:178,539,860, T>G on the plus strand (A>C on the coding strand, the complement: TTN is on the minus strand). VCF-style: chr2-178539860-T-G. GRCh37 (hg19) VCF-style: chr2-179404587-T-G.
Other names: c.93282A>C, p.Ile31094= (NM_001256850.1); c.71010A>C, p.Ile23670= (NM_003319.4); c.90501A>C, p.Ile30167= (NM_133378.4); c.71385A>C, p.Ile23795= (NM_133432.3); c.71586A>C, p.Ile23862= (NM_133437.4).
Identifiers: ClinVar variation 264588 (VCV000264588.46), dbSNP rs745468223, ClinGen allele CA1986412.